The following is an entry in ClinVar:

ClinVar aggregate classification (germline): Uncertain significance (1 of 4 stars; one submission).

Allele frequency attached by ClinVar (database versions not stated): gnomAD exomes below 0.00001 and 0.00001.
gnomAD v4.1: 5 of 1,571,348 alleles (0.00032%); highest among the groups gnomAD compares: African/African-American, 0.0014%; no homozygotes.

Submission:

GeneDx
Classification: Uncertain significance. Last evaluated: 2022-12-06. Review status: criteria provided, single submitter. Criteria: GeneDx Variant Classification Process June 2021. Collection method: clinical testing. Allele origin: germline. Affected: yes.
Comment: Has not been previously published as pathogenic or benign to our knowledge; In silico analysis suggests this variant may impact gene splicing. In the absence of RNA/functional studies, the actual effect of this sequence change is unknown.

NM_001961.4(EEF2):c.1150+5G>A

Gene: EEF2 (eukaryotic translation elongation factor 2; minus strand). Cytogenetic location: 19p13.3.
Variant type: single nucleotide variant.
Coding change: c.1150+5G>A on transcript NM_001961.4 (MANE Select); 5 bases into the intron after coding-DNA position 1150, G replaced by A.
Molecular consequence: intron variant.
Genome position (GRCh38, 1-based): chr19:3,980,836, C>T on the plus strand (G>A on the coding strand, the complement: EEF2 is on the minus strand). VCF-style: chr19-3980836-C-T. GRCh37 (hg19) VCF-style: chr19-3980834-C-T.
Identifiers: ClinVar variation 1695543 (VCV001695543.2), dbSNP rs1185999002, ClinGen allele CA631714082.
Genomic context (GRCh38, chr19:3,980,836, plus strand): 5'-CACAACCTTGGGCAACAGGAAGTCATCCGGCTGCATCTCAGGGCCCGGCCACCGGGACCA[C>T]GTACCCATGGCAGCCTCGTCGTCCGGGGGCCCCTCGTACAGGAGCTCGCAGCGGTACTTC-3'